The following is an entry in ClinVar:

NM_000152.5(GAA):c.1636+389C>G

Gene: GAA (alpha glucosidase; plus strand). Cytogenetic location: 17q25.3.
Variant type: single nucleotide variant.
Coding change: c.1636+389C>G on transcript NM_000152.5 (MANE Select); 389 bases into the intron after coding-DNA position 1636, C replaced by G.
Molecular consequence: intron variant.
Genome position (GRCh38, 1-based): chr17:80,111,414, C>G. VCF-style: chr17-80111414-C-G. GRCh37 (hg19) VCF-style: chr17-78085213-C-G.
Other names: c.1636+389C>G (NM_001406741.1, NM_001406742.1, NM_001079803.3 and 1 more transcripts).
Identifiers: ClinVar variation 4876287 (VCV004876287.1).

ClinVar aggregate classification (germline): Likely benign (1 of 4 stars; one submission).

Conditions:
Glycogen storage disease, type II (IOPD). Also called: Pompe Disease; CARDIOMEGALIA GLYCOGENICA DIFFUSA; GLYCOGENOSIS, GENERALIZED, CARDIAC FORM; GSD II; POMPE DISEASE, INFANTILE-ONSET; GLYCOGEN STORAGE DISEASE II, INFANTILE-ONSET. Identifiers: Orphanet 365, MedGen C0017921, MONDO:0009290, OMIM 232300.

Submission:

Genomenon, Inc
Classification: Likely benign for Glycogen storage disease, type II. Last evaluated: 2026-07-01. Review status: criteria provided, single submitter. Criteria: Genomenon Sequence Variant Interpretation Standards - Updated. Collection method: curation. Allele origin: germline. Affected: no.
Comment: GAA c.1636+389C>G is an intronic variant located in intron 11. This variant has been reported in the published literature (PMID:33560568). It is absent or not present at a significant frequency in gnomAD. This variant is not predicted to impact splicing. In conclusion, we classify GAA c.1636+389C>G as a likely benign variant.

Literature cited by the submitters: PubMed 33560568.